The following is an entry in ClinVar:

NM_001080512.3(BICC1):c.2462G>A (p.Gly821Glu)

Gene: BICC1 (BicC family RNA binding protein 1; plus strand). Cytogenetic location: 10q21.1.
Variant type: single nucleotide variant.
Coding change: c.2462G>A on transcript NM_001080512.3 (MANE Select); coding-DNA position 2462, G replaced by A.
Protein change: p.Gly821Glu; replaces glycine 821 with glutamic acid.
Molecular consequence: missense variant.
Genome position (GRCh38, 1-based): chr10:58,813,915, G>A. VCF-style: chr10-58813915-G-A. GRCh37 (hg19) VCF-style: chr10-60573675-G-A.
Other names: p.Gly821Glu; short protein forms G821E.
Identifiers: ClinVar variation 773235 (VCV000773235.12), dbSNP rs142515390, ClinGen allele CA5508812.

ClinVar aggregate classification (germline): Likely benign. Review status: criteria provided, multiple submitters, no conflicts (2 of 4 stars). 4 submissions from 4 submitters: Likely benign (4). Last evaluated 2025-11-25.

Allele frequency attached by ClinVar (database versions not stated): 1000 Genomes Project 0.00120; 1000 Genomes Project 30x 0.00125; ESP Exome Variant Server 0.00154; gnomAD exomes 0.00185 and 0.00219; gnomAD 0.00191 and 0.00196; ExAC 0.00195; TOPMed 0.00221.
gnomAD v4.1: 3,037 of 1,614,076 alleles (0.19%); highest among the groups gnomAD compares: Admixed American, 0.43%; 6 homozygotes.

Submissions (4):

Labcorp Genetics (formerly Invitae), Labcorp
Classification: Likely benign. Last evaluated: 2025-11-25. Review status: criteria provided, single submitter. Criteria: Invitae Variant Classification Sherloc (09022015). Collection method: clinical testing. Allele origin: germline.

Mayo Clinic Laboratories, Mayo Clinic
Classification: Likely benign. Last evaluated: 2024-12-30. Review status: criteria provided, single submitter. Criteria: ACMG Guidelines, 2015. Collection method: clinical testing. Allele origin: germline. Observed: 1 variant allele.
Comment: BS1, BP4

Blueprint Genetics
Classification: Likely benign. Last evaluated: 2024-11-27. Review status: criteria provided, single submitter. Criteria: ACMG Guidelines, 2015. Collection method: clinical testing. Allele origin: germline.

Breakthrough Genomics
Classification: Likely benign. Review status: criteria provided, single submitter. Criteria: ACMG Guidelines, 2015. Collection method: not provided. Allele origin: germline. Inheritance: Autosomal dominant inheritance. Affected: yes.